The following is an entry in ClinVar:

ClinVar aggregate classification (germline): Uncertain significance (1 of 4 stars; one submission).

Conditions:
SEMA3B-related disorder. Also called: SEMA3B-related condition.

gnomAD v4.1: 3 of 1,612,614 alleles (0.00019%); highest among the groups gnomAD compares: Admixed American, 0.0034%; no homozygotes.

Submissions (2):

PreventionGenetics, part of Exact Sciences
Classification: Uncertain significance for SEMA3B-related condition. Last evaluated: 2025-06-25. Review status: criteria provided, single submitter. Criteria: ACMG Guidelines, 2015. Collection method: clinical testing. Allele origin: germline.
Comment: The SEMA3B c.1152+5G>A variant is predicted to interfere with splicing. To our knowledge, this variant has not been reported in the literature. This variant is predicted to alter splicing based on available splicing prediction programs (SpliceAI, Jaganathan et al. 2019. PubMed ID: 30661751). However, the use of computer prediction programs is not equivalent to functional evidence. This variant is reported in 0.0052% of alleles in individuals of East Asian descent in gnomAD. At this time, the clinical significance of this variant is uncertain due to the absence of conclusive functional and genetic evidence.

Dr. Peter K. Rogan Lab, Western University
No classification provided (evidence only). Condition: Malignant tumor of urinary bladder. Review status: no classification provided. Collection method: in vitro. Allele origin: not applicable. Functional consequence: retained intron. Not counted in ClinVar's aggregate classification.

NM_001290060.2(SEMA3B):c.1137+5G>A

Gene: SEMA3B (semaphorin 3B; plus strand). Cytogenetic location: 3p21.31.
Variant type: single nucleotide variant.
Coding change: c.1137+5G>A on transcript NM_001290060.2 (MANE Select); 5 bases into the intron after coding-DNA position 1137, G replaced by A.
Molecular consequence: intron variant.
Genome position (GRCh38, 1-based): chr3:50,274,062, G>A. VCF-style: chr3-50274062-G-A. GRCh37 (hg19) VCF-style: chr3-50311493-G-A.
Other names: NC_000003.11:g.50311493G>A; c.1134+5G>A (NM_001435958.1, NM_001435957.1, NM_001005914.3); c.1137+5G>A (NM_001435956.1, NM_004636.4); c.1152+5G>A (NM_001290061.1); c.108+5G>A (NM_001290062.2, NM_001290063.2).
Identifiers: ClinVar variation 4298144 (VCV004298144.2).